The following is an entry in ClinVar:

NM_152701.5(ABCA13):c.2648A>T (p.Lys883Ile)

Gene: ABCA13 (ATP binding cassette subfamily A member 13; plus strand). Cytogenetic location: 7p12.3.
Variant type: single nucleotide variant.
Coding change: c.2648A>T on transcript NM_152701.5 (MANE Select); coding-DNA position 2648, A replaced by T.
Protein change: p.Lys883Ile; replaces lysine 883 with isoleucine.
Molecular consequence: missense variant.
Genome position (GRCh38, 1-based): chr7:48,272,314, A>T. VCF-style: chr7-48272314-A-T. GRCh37 (hg19) VCF-style: chr7-48311911-A-T.
Other names: short protein forms K883I.
Identifiers: ClinVar variation 390058 (VCV000390058.2), dbSNP rs967269755, ClinGen allele CA16605226.

ClinVar aggregate classification (germline): Uncertain significance (1 of 4 stars; one submission).

Allele frequency attached by ClinVar (database versions not stated): gnomAD exomes below 0.00001.
gnomAD v4.1: 1 of 1,613,750 alleles (0.000062%); highest among the groups gnomAD compares: East Asian, 0.0022%; no homozygotes.

Submission:

GeneDx
Classification: Uncertain significance. Last evaluated: 2016-10-11. Review status: criteria provided, single submitter. Criteria: GeneDx Variant Classification (06012015). Collection method: clinical testing. Allele origin: germline. Affected: yes.
Comment: The K883I variant in the ABCA13 gene has not been reported previously as a pathogenic variant, nor as a benign variant, to our knowledge. The K883I variant was not observed in approximately 5900 individuals of European and African American ancestry in the NHLBI Exome Sequencing Project, indicating it is not a common benign variant in these populations. The K883I variant is a non-conservative amino acid substitution, which is likely to impact secondary protein structure as these residues differ in polarity, charge, size and/or other properties. However, this substitution occurs at a position that is not conserved across species, and in silico analysis predicts this variant likely does not alter the protein structure/function. We interpret K883I as a variant of uncertain significance.